The following is an entry in ClinVar:

NM_001182.5(ALDH7A1):c.1376T>C (p.Ile459Thr)

Gene: ALDH7A1 (aldehyde dehydrogenase 7 family member A1; minus strand). Cytogenetic location: 5q23.2.
Variant type: single nucleotide variant.
Coding change: c.1376T>C on transcript NM_001182.5 (MANE Select); coding-DNA position 1376, T replaced by C.
Protein change: p.Ile459Thr; replaces isoleucine 459 with threonine.
Molecular consequence: missense variant.
Genome position (GRCh38, 1-based): chr5:126,550,235, A>G on the plus strand (T>C on the coding strand, the complement: ALDH7A1 is on the minus strand). VCF-style: chr5-126550235-A-G. GRCh37 (hg19) VCF-style: chr5-125885927-A-G.
Other names: c.1292T>C, p.Ile431Thr (NM_001201377.2); c.1184T>C, p.Ile395Thr (NM_001202404.2); short protein forms I459T, I395T, I431T.
Identifiers: ClinVar variation 373649 (VCV000373649.10), dbSNP rs1057518529, ClinGen allele CA16042571.

ClinVar aggregate classification (germline): Conflicting classifications of pathogenicity. Review status: criteria provided, conflicting classifications (1 of 4 stars). 2 submissions from 2 submitters: Likely pathogenic (1); Uncertain significance (1). Last evaluated 2024-11-13.

Conditions:
Pyridoxine-dependent epilepsy (EPEO4). Also called: Pyridoxine-Dependent Epilepsy - ALDH7A1; EPILEPSY, EARLY-ONSET, 4, VITAMIN B6-DEPENDENT; Pyridoxine-Dependent Seizures; PYRIDOXINE DEPENDENCY WITH SEIZURES. Identifiers: Orphanet 3006, MedGen C1849508, MONDO:0009945, OMIM 266100. Disease mechanism: loss of function.

Allele frequency attached by ClinVar (database versions not stated): gnomAD exomes 0.00001 and 0.00002; gnomAD 0.00001; TOPMed 0.00001.
gnomAD v4.1: 9 of 1,613,472 alleles (0.00056%); highest among the groups gnomAD compares: Admixed American, 0.005%; no homozygotes.

Submissions (2):

Labcorp Genetics (formerly Invitae), Labcorp
Classification: Likely pathogenic for Pyridoxine-dependent epilepsy. Last evaluated: 2024-11-13. Review status: criteria provided, single submitter. Criteria: Invitae Variant Classification Sherloc (09022015). Collection method: clinical testing. Allele origin: germline.
Comment: This sequence change replaces isoleucine, which is neutral and non-polar, with threonine, which is neutral and polar, at codon 459 of the ALDH7A1 protein (p.Ile459Thr). This variant is present in population databases (no rsID available, gnomAD 0.006%). This variant has not been reported in the literature in individuals affected with ALDH7A1-related conditions. ClinVar contains an entry for this variant (Variation ID: 373649). Invitae Evidence Modeling of protein sequence and biophysical properties (such as structural, functional, and spatial information, amino acid conservation, physicochemical variation, residue mobility, and thermodynamic stability) indicates that this missense variant is expected to disrupt ALDH7A1 protein function with a positive predictive value of 95%. This variant disrupts the p.Ile459 amino acid residue in ALDH7A1. Other variant(s) that disrupt this residue have been determined to be pathogenic (PMID: 20814824, 30043187; internal data). This suggests that this residue is clinically significant, and that variants that disrupt this residue are likely to be disease-causing. In summary, the currently available evidence indicates that the variant is pathogenic, but additional data are needed to prove that conclusively. Therefore, this variant has been classified as Likely Pathogenic.

GeneDx
Classification: Uncertain significance. Last evaluated: 2016-11-30. Review status: criteria provided, single submitter. Criteria: GeneDx Variant Classification (06012015). Collection method: clinical testing. Allele origin: germline. Affected: yes.
Comment: A variant of uncertain significance has been identified in the ALDH7A1 gene. The I459T variant has not been published as a pathogenic variant, nor has it been reported as a benign variant to our knowledge. It was not observed in approximately 6,500 individuals of European and African American ancestry in the NHLBI Exome Sequencing Project, indicating it is not a common benign variant in these populations. The I459T variant is a non-conservative amino acid substitution, which is likely to impact secondary protein structure as these residues differ in polarity, charge, size and/or other properties. This substitution occurs at a position that is conserved across species and in silico analysis predicts this variant is probably damaging to the protein structure/function. However, based on the currently available information, it is unclear whether this variant is a pathogenic variant or a rare benign variant.

Literature cited by the submitters: PubMed 20814824 (cited by Labcorp Genetics (formerly Invitae), Labcorp); PubMed 30043187 (cited by Labcorp Genetics (formerly Invitae), Labcorp).